The following is an entry in ClinVar:

ClinVar aggregate classification (germline): Uncertain significance (1 of 4 stars; one submission).

Allele frequency attached by ClinVar (database versions not stated): gnomAD exomes below 0.00001; gnomAD 0.00001.
gnomAD v4.1: 2 of 1,597,320 alleles (0.00013%); highest among the groups gnomAD compares: South Asian, 0.0022%; no homozygotes.

Submission:

Labcorp Genetics (formerly Invitae), Labcorp
Classification: Uncertain significance. Last evaluated: 2022-08-09. Review status: criteria provided, single submitter. Criteria: Invitae Variant Classification Sherloc (09022015). Collection method: clinical testing. Allele origin: germline.
Comment: This sequence change falls in intron 6 of the IDH3A gene. It does not directly change the encoded amino acid sequence of the IDH3A protein. This variant is not present in population databases (gnomAD no frequency). This variant has not been reported in the literature in individuals affected with IDH3A-related conditions. Algorithms developed to predict the effect of sequence changes on RNA splicing suggest that this variant may disrupt the consensus splice site. In summary, the available evidence is currently insufficient to determine the role of this variant in disease. Therefore, it has been classified as a Variant of Uncertain Significance.

NM_005530.3(IDH3A):c.612-6A>T

Gene: IDH3A (isocitrate dehydrogenase (NAD(+)) 3 catalytic subunit alpha; plus strand). Cytogenetic location: 15q25.1.
Variant type: single nucleotide variant.
Coding change: c.612-6A>T on transcript NM_005530.3 (MANE Select); 6 bases into the intron before coding-DNA position 612, A replaced by T.
Molecular consequence: intron variant.
Genome position (GRCh38, 1-based): chr15:78,163,501, A>T. VCF-style: chr15-78163501-A-T. GRCh37 (hg19) VCF-style: chr15-78455843-A-T.
Identifiers: ClinVar variation 2023216 (VCV002023216.1), dbSNP rs2074705165, ClinGen allele CA971767780.